The following is an entry in ClinVar:

ClinVar aggregate classification (germline): Uncertain significance (1 of 4 stars; one submission).

Submission:

Labcorp Genetics (formerly Invitae), Labcorp
Classification: Uncertain significance. Last evaluated: 2024-02-24. Review status: criteria provided, single submitter. Criteria: Invitae Variant Classification Sherloc (09022015). Collection method: clinical testing. Allele origin: germline.
Comment: This sequence change replaces isoleucine, which is neutral and non-polar, with valine, which is neutral and non-polar, at codon 1075 of the SAMD9 protein (p.Ile1075Val). This variant is not present in population databases (gnomAD no frequency). This variant has not been reported in the literature in individuals affected with SAMD9-related conditions. ClinVar contains an entry for this variant (Variation ID: 1386583). Advanced modeling of protein sequence and biophysical properties (such as structural, functional, and spatial information, amino acid conservation, physicochemical variation, residue mobility, and thermodynamic stability) performed at Invitae indicates that this missense variant is not expected to disrupt SAMD9 protein function with a negative predictive value of 95%. In summary, the available evidence is currently insufficient to determine the role of this variant in disease. Therefore, it has been classified as a Variant of Uncertain Significance.

NM_017654.4(SAMD9):c.3223A>G (p.Ile1075Val)

Gene: SAMD9 (sterile alpha motif domain containing 9; minus strand). Cytogenetic location: 7q21.2.
Variant type: single nucleotide variant.
Coding change: c.3223A>G on transcript NM_017654.4 (MANE Select); coding-DNA position 3223, A replaced by G.
Protein change: p.Ile1075Val; replaces isoleucine 1075 with valine.
Molecular consequence: missense variant.
Genome position (GRCh38, 1-based): chr7:93,102,875, T>C on the plus strand (A>G on the coding strand, the complement: SAMD9 is on the minus strand). VCF-style: chr7-93102875-T-C. GRCh37 (hg19) VCF-style: chr7-92732188-T-C.
Other names: c.3223A>G, p.Ile1075Val (NM_001193307.2); short protein forms I1075V.
Identifiers: ClinVar variation 1386583 (VCV001386583.6), dbSNP rs2116415493, ClinGen allele CA368188498.
Genomic context (GRCh38, chr7:93,102,875, plus strand): 5'-TAATGTAGAAATGTCTTGCCAACGCTTGGCAAATGAATGCATTTGGGTTGAACCGATGGA[T>C]ACTTTCAAGCAATACAGCTTCAACTGCTTCATTTCCTTCATCTTTATGTAATGCTTCAAT-3'
Protein context (NP_060124.2, residues 1065-1085): EAVEAVLLES[Ile1075Val]HRFNPNAFIC